The following is an entry in ClinVar:

NM_001035.3(RYR2):c.3213T>C (p.His1071=)

Gene: RYR2 (ryanodine receptor 2; plus strand). Cytogenetic location: 1q43.
Variant type: single nucleotide variant.
Coding change: c.3213T>C on transcript NM_001035.3 (MANE Select); coding-DNA position 3213, T replaced by C.
Protein change: p.His1071=; no amino-acid change (histidine 1071 retained).
Molecular consequence: synonymous variant.
Genome position (GRCh38, 1-based): chr1:237,550,690, T>C. VCF-style: chr1-237550690-T-C. GRCh37 (hg19) VCF-style: chr1-237713990-T-C.
Identifiers: ClinVar variation 3070838 (VCV003070838.2), dbSNP rs2546298566, ClinGen allele CA423818368.
Genomic context (GRCh38, chr1:237,550,690, plus strand): 5'-CGAGGCTGTGCGCACGCTGCTGGGGTACGGCTACAACTTGGAAGCACCAGATCAAGATCA[T>C]GGTATTTTGGTTTTACTTTCCTCTTCTTCGGTTGCAAGATGATGTAGTAGTTCTTTAAAG-3'
Protein context (NP_001026.2, residues 1061-1081): GYNLEAPDQD[His1071=]AARAEVCSGT

ClinVar aggregate classification (germline): Likely benign (1 of 4 stars; one submission).

Conditions:
Catecholaminergic polymorphic ventricular tachycardia (CVPT). Also called: Catecholamine-induced polymorphic ventricular tachycardia. Identifiers: Orphanet 3286, MedGen C5574922, MONDO:0017990.

Allele frequency attached by ClinVar (database versions not stated): gnomAD exomes below 0.00001.
gnomAD v4.1: 1 of 1,544,396 alleles (0.000065%); highest among the groups gnomAD compares: Non-Finnish European, 0.000087%; no homozygotes.

Submission:

All of Us Research Program, National Institutes of Health
Classification: Likely benign for Catecholaminergic polymorphic ventricular tachycardia. Last evaluated: 2024-02-22. Review status: criteria provided, single submitter. Criteria: ACMG Guidelines, 2015. Collection method: clinical testing. Allele origin: germline. Inheritance: Autosomal dominant inheritance. Observed: 2 variant alleles, 2 heterozygotes.
Comment: This study involves interpretation of variants in research participants for the purpose of population health screening. Participant phenotype was not available at the time of variant classification. Additional details can be found in publication PMID: 35346344, PMCID: PMC8962531